The following is an entry in ClinVar:

ClinVar aggregate classification (germline): Uncertain significance (1 of 4 stars; one submission).

Submission:

Labcorp Genetics (formerly Invitae), Labcorp
Classification: Uncertain significance. Last evaluated: 2022-06-05. Review status: criteria provided, single submitter. Criteria: Invitae Variant Classification Sherloc (09022015). Collection method: clinical testing. Allele origin: germline.
Comment: In summary, the available evidence is currently insufficient to determine the role of this variant in disease. Therefore, it has been classified as a Variant of Uncertain Significance. Algorithms developed to predict the effect of missense changes on protein structure and function (SIFT, PolyPhen-2, Align-GVGD) all suggest that this variant is likely to be disruptive. ClinVar contains an entry for this variant (Variation ID: 1421866). This variant has not been reported in the literature in individuals affected with HYOU1-related conditions. This variant is not present in population databases (gnomAD no frequency). This sequence change replaces glutamic acid, which is acidic and polar, with aspartic acid, which is acidic and polar, at codon 63 of the HYOU1 protein (p.Glu63Asp).

NM_006389.5(HYOU1):c.189A>C (p.Glu63Asp)

Gene: HYOU1 (hypoxia up-regulated 1; minus strand). Cytogenetic location: 11q23.3.
Variant type: single nucleotide variant.
Coding change: c.189A>C on transcript NM_006389.5 (MANE Select); coding-DNA position 189, A replaced by C.
Protein change: p.Glu63Asp; replaces glutamic acid 63 with aspartic acid.
Molecular consequence: missense variant.
Genome position (GRCh38, 1-based): chr11:119,055,568, T>G on the plus strand (A>C on the coding strand, the complement: HYOU1 is on the minus strand). VCF-style: chr11-119055568-T-G. GRCh37 (hg19) VCF-style: chr11-118926280-T-G.
Other names: c.189A>C, p.Glu63Asp (NM_001130991.3); short protein forms E63D.
Identifiers: ClinVar variation 1421866 (VCV001421866.6), dbSNP rs2134708588, ClinGen allele CA382954164.